The following is an entry in ClinVar:

ClinVar aggregate classification (germline): Uncertain significance. Review status: criteria provided, multiple submitters, no conflicts (2 of 4 stars). 2 submissions from 2 submitters: Uncertain significance (2). Last evaluated 2025-10-14.

Conditions:
Inborn genetic diseases. Identifiers: MedGen C0950123, MeSH D030342.

Allele frequency attached by ClinVar (database versions not stated): gnomAD 0.00005; gnomAD exomes 0.00005; ESP Exome Variant Server 0.00015.
gnomAD v4.1: 59 of 1,605,090 alleles (0.0037%); highest among the groups gnomAD compares: Middle Eastern, 0.042%; no homozygotes.

Submissions (2):

Ambry Genetics
Classification: Uncertain significance for Inborn genetic diseases. Last evaluated: 2025-10-14. Review status: criteria provided, single submitter. Criteria: Ambry Variant Classification Scheme 2023. Collection method: clinical testing. Allele origin: germline.

Labcorp Genetics (formerly Invitae), Labcorp
Classification: Uncertain significance. Last evaluated: 2021-08-24. Review status: criteria provided, single submitter. Criteria: Invitae Variant Classification Sherloc (09022015). Collection method: clinical testing. Allele origin: germline.
Comment: This sequence change replaces arginine with tryptophan at codon 392 of the FAM20A protein (p.Arg392Trp). The arginine residue is highly conserved and there is a moderate physicochemical difference between arginine and tryptophan. This variant is present in population databases (rs149139420, ExAC 0.01%). This variant has not been reported in the literature in individuals affected with FAM20A-related conditions. Algorithms developed to predict the effect of missense changes on protein structure and function (SIFT, PolyPhen-2, Align-GVGD) all suggest that this variant is likely to be disruptive. In summary, the available evidence is currently insufficient to determine the role of this variant in disease. Therefore, it has been classified as a Variant of Uncertain Significance.

NM_017565.4(FAM20A):c.1174C>T (p.Arg392Trp)

Genes: FAM20A (FAM20A golgi associated secretory pathway pseudokinase; minus strand), PRKAR1A (protein kinase cAMP-dependent type I regulatory subunit alpha; plus strand). Cytogenetic location: 17q24.2.
Variant type: single nucleotide variant.
Coding change: c.1174C>T on transcript NM_017565.4 (MANE Select); coding-DNA position 1174, C replaced by T.
Protein change: p.Arg392Trp; replaces arginine 392 with tryptophan.
Molecular consequence: missense variant. On other transcripts: non-coding transcript variant (1), intron variant (1).
Genome position (GRCh38, 1-based): chr17:68,540,894, G>A on the plus strand (C>T on the coding strand, the complement: FAM20A is on the minus strand). VCF-style: chr17-68540894-G-A. GRCh37 (hg19) VCF-style: chr17-66537035-G-A.
Other names: c.760C>T, p.Arg254Trp (NM_001243746.2); c.974-10190G>A (NM_001276290.1); short protein forms R254W, R392W.
Identifiers: ClinVar variation 1058179 (VCV001058179.9), dbSNP rs149139420, ClinGen allele CA8729778.